The following is an entry in ClinVar:

NM_000088.4(COL1A1):c.1042G>C (p.Ala348Pro)

Gene: COL1A1 (collagen type I alpha 1 chain; minus strand). Cytogenetic location: 17q21.33.
Variant type: single nucleotide variant.
Coding change: c.1042G>C on transcript NM_000088.4 (MANE Select); coding-DNA position 1042, G replaced by C.
Protein change: p.Ala348Pro; replaces alanine 348 with proline.
Molecular consequence: missense variant.
Genome position (GRCh38, 1-based): chr17:50,195,937, C>G on the plus strand (G>C on the coding strand, the complement: COL1A1 is on the minus strand). VCF-style: chr17-50195937-C-G. GRCh37 (hg19) VCF-style: chr17-48273298-C-G.
Other names: short protein forms A348P.
Identifiers: ClinVar variation 4848805 (VCV004848805.1).

ClinVar aggregate classification (germline): Uncertain significance (1 of 4 stars; one submission).

Submission:

Women's Health and Genetics/Laboratory Corporation of America, LabCorp
Classification: Uncertain significance. Last evaluated: 2026-04-07. Review status: criteria provided, single submitter. Criteria: LabCorp Variant Classification Summary - May 2015. Collection method: clinical testing. Allele origin: germline.
Comment: Variant summary: COL1A1 c.1042G>C (p.Ala348Pro) results in a non-conservative amino acid change in the encoded protein sequence. Algorithms developed to predict the effect of missense changes on protein structure and function are either unavailable or do not agree on the potential impact of this missense change. The variant was absent in 209234 control chromosomes. The available data on variant occurrences in the general population are insufficient to allow any conclusion about variant significance. To our knowledge, no occurrence of c.1042G>C in individuals affected with COL1A1-related conditions and no experimental evidence demonstrating its impact on protein function have been reported. No submitters have cited clinical-significance assessments for this variant to ClinVar. Based on the evidence outlined above, the variant was classified as uncertain significance.